The following is an entry in ClinVar:

ClinVar aggregate classification (germline): Conflicting classifications of pathogenicity. Review status: criteria provided, conflicting classifications (1 of 4 stars). 2 submissions from 2 submitters: Likely pathogenic (1); Uncertain significance (1). Last evaluated 2026-05-05.

Conditions:
Melanoma-pancreatic cancer syndrome. Identifiers: Orphanet 404560, MedGen C1838547, MONDO:0011713, OMIM 606719. Disease mechanism: loss of function.
Hereditary cancer-predisposing syndrome. Also called: Neoplastic Syndromes, Hereditary; Tumor predisposition; Hereditary Cancer Syndrome; Hereditary neoplastic syndrome. Identifiers: Orphanet 140162, MedGen C0027672, MeSH D009386, MONDO:0015356.

Submissions (2):

Ambry Genetics
Classification: Uncertain significance for Hereditary cancer-predisposing syndrome. Last evaluated: 2026-05-05. Review status: criteria provided, single submitter. Criteria: Ambry Variant Classification Scheme 2023. Collection method: clinical testing. Allele origin: germline.
Comment: The c.-93_-91delAGG variant is located in the 5' untranslated region (5&rsquo;UTR) of the CDKN2A gene. This variant results in a deletion of three nucleotides starting 93 nucleotides upstream from the first translated codon. This variant was identified in a kindred with melanoma (Andreotti V. et al. Pigment Cell Melanoma Res 2016 Mar;29(2):210-21). Transcriptional activity assays demonstrated this variant to reduce transcriptional activity (Andreotti V. et al. Pigment Cell Melanoma Res 2016 Mar;29(2):210-21). This nucleotide position is well conserved in available vertebrate species. Based on the available evidence, the clinical significance of this variant remains unclear.

Department of Pathology and Laboratory Medicine, Sinai Health System
Classification: Likely pathogenic for melanoma-pancreatic cancer syndrome. Review status: criteria provided, single submitter. Criteria: ACMG Guidelines, 2015. Collection method: clinical testing. Allele origin: germline.

Literature cited by the submitters: PubMed 26581427 (cited by Ambry Genetics).

NM_058195.4(CDKN2A):c.194-3712_194-3710del

Gene: CDKN2A (cyclin dependent kinase inhibitor 2A; minus strand). Cytogenetic location: 9p21.3.
Variant type: Microsatellite.
Coding change: c.194-3712_194-3710del on transcript NM_058195.4 (MANE Plus Clinical); 3712 bases into the intron before coding-DNA position 194 through 3710 bases into the intron before coding-DNA position 194, 3 bases deleted (AGG; older notation c.194-3712_194-3710delAGG).
Molecular consequence: intron variant.
Genome position (GRCh38, 1-based): chr9:21,974,918-21,974,920, CCT deleted on the plus strand (AGG on the coding strand, the reverse complement: CDKN2A is on the minus strand); deleting any 3 consecutive bases within chr9:21,974,918-21,974,924 gives the same sequence; the c. name uses the placement nearest the transcript's 3' end. VCF-style (leftmost placement, unchanged base first): chr9-21974917-CCCT-C. GRCh37 (hg19) VCF-style: chr9-21974916-CCCT-C.
Other names: c.-97_-95GAG[1] (NM_000077.6); c.-3-3712_-3-3710del (NM_001363763.2); c.-93_-91delAGG (NM_000077.4).
Identifiers: ClinVar variation 3780842 (VCV003780842.2).